The following is an entry in ClinVar:

ClinVar aggregate classification (germline): Uncertain significance (1 of 4 stars; one submission).

Conditions:
Malignant hyperthermia, susceptibility to, 1 (MHS1). Also called: Anesthesia related hyperthermia; Malignant hyperpyrexia; Fulminating hyperpyrexia; Pharmacogenic myopathy; RYR1-Related Malignant Hyperthermia Susceptibility; Malignant hyperthermia suceptibility 1. Identifiers: Orphanet 423, MedGen C2930980, MONDO:0007783, OMIM 145600.

Submission:

All of Us Research Program, National Institutes of Health
Classification: Uncertain significance for Malignant hyperthermia, susceptibility to, 1. Last evaluated: 2023-07-10. Review status: criteria provided, single submitter. Criteria: ACMG Guidelines, 2015. Collection method: clinical testing. Allele origin: germline. Inheritance: Autosomal dominant inheritance. Observed: 1 variant allele, 1 heterozygote.
Comment: This missense variant replaces valine with leucine at codon 2558 of the RYR1 protein. Computational prediction suggests that this variant may not impact protein structure and function (internally defined REVEL score threshold <= 0.5, PMID: 27666373). To our knowledge, functional studies have not been reported for this variant. This variant has not been reported in individuals affected with RYR1-related disorders in the literature. This variant has not been identified in the general population by the Genome Aggregation Database (gnomAD). The available evidence is insufficient to determine the role of this variant in disease conclusively. Therefore, this variant is classified as a Variant of Uncertain Significance.

This study involves interpretation of variants in research participants for the purpose of population health screening. Participant phenotype was not available at the time of variant classification. Additional details can be found in publication PMID: 35346344, PMCID: PMC8962531

NM_000540.3(RYR1):c.7672G>T (p.Val2558Leu)

Gene: RYR1 (ryanodine receptor 1; plus strand). Cytogenetic location: 19q13.2.
Variant type: single nucleotide variant.
Coding change: c.7672G>T on transcript NM_000540.3 (MANE Select); coding-DNA position 7672, G replaced by T.
Protein change: p.Val2558Leu; replaces valine 2558 with leucine.
Molecular consequence: missense variant.
Genome position (GRCh38, 1-based): chr19:38,502,564, G>T. VCF-style: chr19-38502564-G-T. GRCh37 (hg19) VCF-style: chr19-38993204-G-T.
Other names: c.7672G>T, p.Val2558Leu (NM_001042723.2); short protein forms V2558L.
Identifiers: ClinVar variation 3072383 (VCV003072383.1), dbSNP rs771523641, ClinGen allele CA405671559.